The following is an entry in ClinVar:

ClinVar aggregate classification (germline): Benign (1 of 4 stars; one submission).

Allele frequency attached by ClinVar (database versions not stated): 1000 Genomes Project 30x 0.29497; 1000 Genomes Project 0.29533; TOPMed 0.31898; gnomAD 0.32331 and 0.32420.
gnomAD v4.1: 49,055 of 151,842 alleles (32%); highest among the groups gnomAD compares: Middle Eastern, 37%; 8,332 homozygotes.

Submission:

GeneDx
Classification: Benign. Last evaluated: 2018-06-14. Review status: criteria provided, single submitter. Criteria: GeneDx Variant Classification (06012015). Collection method: clinical testing. Allele origin: germline. Affected: yes.
Comment: This variant is considered likely benign or benign based on one or more of the following criteria: it is a conservative change, it occurs at a poorly conserved position in the protein, it is predicted to be benign by multiple in silico algorithms, and/or has population frequency not consistent with disease.

NM_001377.3(DYNC2H1):c.11096-264G>A

Gene: DYNC2H1 (dynein cytoplasmic 2 heavy chain 1; plus strand). Cytogenetic location: 11q22.3.
Variant type: single nucleotide variant.
Coding change: c.11096-264G>A on transcript NM_001377.3 (MANE Select); 264 bases into the intron before coding-DNA position 11096, G replaced by A.
Molecular consequence: intron variant.
Genome position (GRCh38, 1-based): chr11:103,302,829, G>A. VCF-style: chr11-103302829-G-A. GRCh37 (hg19) VCF-style: chr11-103173558-G-A.
Other names: c.11117-264G>A (NM_001080463.2).
Identifiers: ClinVar variation 669922 (VCV000669922.1), dbSNP rs11225672, ClinGen allele CA13427674.
Genomic context (GRCh38, chr11:103,302,829, plus strand): 5'-TTTACAGTACAGCTACAGGCCTGTATTGTGGTCTCAATTTACAACACAGATGTTAAATGT[G>A]GTAATCAGGGTACCTACCTCATAGCATTGTAATAAGAAGATGATATCATACGTGGAAAAC-3'